The following is an entry in ClinVar:

NM_025219.3(DNAJC5):c.321+159A>G

Gene: DNAJC5 (DnaJ heat shock protein family (Hsp40) member C5; plus strand). Cytogenetic location: 20q13.33.
Variant type: single nucleotide variant.
Coding change: c.321+159A>G on transcript NM_025219.3 (MANE Select); 159 bases into the intron after coding-DNA position 321, A replaced by G.
Molecular consequence: intron variant.
Genome position (GRCh38, 1-based): chr20:63,929,684, A>G. VCF-style: chr20-63929684-A-G. GRCh37 (hg19) VCF-style: chr20-62561037-A-G.
Identifiers: ClinVar variation 670364 (VCV000670364.1), dbSNP rs35311419, ClinGen allele CA317520472.

ClinVar aggregate classification (germline): Benign (1 of 4 stars; one submission).

Allele frequency attached by ClinVar (database versions not stated): gnomAD 0.03795 and 0.03941.
gnomAD v4.1: 3,686 of 97,606 alleles (3.8%); highest among the groups gnomAD compares: African/African-American, 8.6%; 243 homozygotes.

Submission:

GeneDx
Classification: Benign. Last evaluated: 2018-06-18. Review status: criteria provided, single submitter. Criteria: GeneDx Variant Classification (06012015). Collection method: clinical testing. Allele origin: germline. Affected: yes.
Comment: This variant is considered likely benign or benign based on one or more of the following criteria: it is a conservative change, it occurs at a poorly conserved position in the protein, it is predicted to be benign by multiple in silico algorithms, and/or has population frequency not consistent with disease.